The following is an entry in ClinVar:

ClinVar aggregate classification (germline): Pathogenic/Likely pathogenic. Review status: criteria provided, multiple submitters, no conflicts (2 of 4 stars). 5 submissions from 5 submitters: Pathogenic (3); Likely pathogenic (1). 1 of the submissions does not count toward it. Last evaluated 2023-05-26.

Conditions:
Distichiasis-lymphedema syndrome. Also called: LYMPHEDEMA WITH DISTICHIASIS. Identifiers: Orphanet 33001, MedGen C0265345, MONDO:0007922, OMIM 153400.
Inborn genetic diseases. Identifiers: MedGen C0950123, MeSH D030342.

Submissions (5):

Ambry Genetics
Classification: Pathogenic for Inborn genetic diseases. Last evaluated: 2023-05-26. Review status: criteria provided, single submitter. Criteria: Ambry Variant Classification Scheme 2023. Collection method: clinical testing. Allele origin: germline.
Comment: The c.361C>T (p.R121C) alteration is located in exon 1 (coding exon 1) of the FOXC2 gene. This alteration results from a C to T substitution at nucleotide position 361, causing the arginine (R) at amino acid position 121 to be replaced by a cysteine (C). This variant was not reported in population-based cohorts in the Genome Aggregation Database (gnomAD). The c.361C<T alteration as been observed in multiple individuals with primary lymphedema (van Steensel, 2009; Sargent, 2014; Lyons, 2017) and as a recurrent de novo alteration in individuals with clinical features consistent with lymphedema-distichiasis syndrome (Wang, 2020; Zhou, 2021). This amino acid position is highly conserved in available vertebrate species. This alteration is located in the forkhead domain of the FOXC2 gene. Majority of reported disease-causing variants in the forkhead domain cause haploinsufficiency and reduce transactivation activity, while some variants outside of this region enhance transactivation activity (van Steensel, 2009; Jiang, 2022). Luciferase assays measuring FOXC2 transactivational activity have shown that the p.R121C alteration decreases transcriptional activity (van Steensel, 2009; Jiang, 2022). This alteration is predicted to be deleterious by in silico analysis. Based on the available evidence, this alteration is classified as pathogenic.

Illumina Laboratory Services, Illumina
Classification: Pathogenic for Distichiasis-lymphedema syndrome. Last evaluated: 2023-02-22. Review status: criteria provided, single submitter. Criteria: ICSLVariantClassificationCriteria RUGD 01 April 2020. Collection method: clinical testing. Allele origin: unknown.
Comment: The FOXC2 c.361C>T (p.Arg121Cys) missense variant results in the substitution of arginine at amino acid position 121 with cysteine. Across a selection of the available literature, the c.361C>T variant has been identified in at least five unrelated individuals, of whom two had acquired it de novo (PMID: 19760751; PMID: 25252123; PMID: 28724617; PMID: 32411386; PMID: 33897756). Functional studies demonstrated that the protein containing this variant shows altered transcriptional activity (PMID: 19760751). This variant is located in the forkhead domain and affects a residue that is important for DNA binding (PMID: 31460188). A different amino acid change at the same position, p.Arg121His, has been reported in the literature in an individual with lymphedema, and experimental evidence suggests damaging effect of this variant on the protein function (PMID: 12114478; PMID: 16081467; PMID: 27276711). The p.Arg121Cys variant is not found in version 2.1.1 or version 3.1.2 of the Genome Aggregation Database. Based on the available evidence, the c.361C>T (p.Arg121Cys) variant is classified as pathogenic for lymphedema-distichiasis syndrome.

ARUP Laboratories, Molecular Genetics and Genomics, ARUP Laboratories
Classification: Likely pathogenic. Last evaluated: 2020-02-18. Review status: criteria provided, single submitter. Criteria: ARUP Molecular Germline Variant Investigation Process. Collection method: clinical testing. Allele origin: germline.
Comment: The FOXC2 c.361C>T; p.Arg121Cys variant is reported in the literature in several individuals affected with primary lymphedema (Lyons 2017, Sargent 2014, van Steensel 2009). This variant was found to segregate with disease in several members of a family with hereditary lymphedema (Sargent 2014). This variant is absent from general population databases (Exome Variant Server, Genome Aggregation Database), indicating it is not a common polymorphism. The arginine at codon 121 is highly conserved, and it occurs in the forkhead DNA-binding domain and interacts with bases in the DNA major groove (Li 2019). Functional assays show that the p.Arg121Cys variant lacks measurable transcriptional activation activity in cultured cells (van Steensel 2009). Additionally, another amino acid substitution at this codon (p.Arg121His) has been reported in an individual with hereditary lymphedema and lacks DNA-binding and transcriptional activation activity (Berry 2005). Based on available information, the p.Arg121Cys variant is considered to be likely pathogenic. References: Berry FB et al. The establishment of a predictive mutational model of the forkhead domain through the analyses of FOXC2 missense mutations identified in patients with hereditary lymphedema with distichiasis. Hum Mol Genet. 2005 Sep 15;14(18):2619-27. Li S et al. Crystal Structure of FOXC2 in Complex with DNA Target. ACS Omega. 2019 Jun 24;4(6):10906-10914. Lyons O et al. Human venous valve disease caused by mutations in FOXC2 and GJC2. J Exp Med. 2017 Jul 19. pii: jem.20160875. Sargent C et al. A five generation family with a novel mutation in FOXC2 and lymphedema worsening to hydrops in the youngest generation. Am J Med Genet A. 2014 Nov;164A(11):2802-7. van Steensel MA et al. Novel missense mutations in the FOXC2 gene alter transcriptional activity. Hum Mutat. 2009 Dec;30(12):E1002-9.

Center for Molecular Medicine, Children’s Hospital of Fudan University
Classification: Pathogenic for Distichiasis-lymphedema syndrome. Last evaluated: 2019-05-10. Review status: criteria provided, single submitter. Criteria: ACMG Guidelines, 2015. Collection method: clinical testing. Allele origin: de novo. Affected: yes.

OMIM
Classification: Pathogenic for LYMPHEDEMA-DISTICHIASIS SYNDROME. Last evaluated: 2019-01-02. Review status: no assertion criteria provided. Collection method: literature only. Allele origin: germline. Not counted in ClinVar's aggregate classification.

Literature cited by the submitters: PubMed 19760751 (cited by 3 submitters); PubMed 25252123 (cited by Ambry Genetics and Illumina Laboratory Services, Illumina); PubMed 28724617 (cited by Ambry Genetics and Illumina Laboratory Services, Illumina); PubMed 32411386 (cited by Ambry Genetics and Illumina Laboratory Services, Illumina); PubMed 33897756 (cited by Ambry Genetics and Illumina Laboratory Services, Illumina); PubMed 35716761 (cited by Ambry Genetics); PubMed 12114478 (cited by Illumina Laboratory Services, Illumina); PubMed 31460188 (cited by Illumina Laboratory Services, Illumina); PubMed 27276711 (cited by Illumina Laboratory Services, Illumina); PubMed 16081467 (cited by Illumina Laboratory Services, Illumina).

NM_005251.3(FOXC2):c.361C>T (p.Arg121Cys)

Genes: FOXC2 (forkhead box C2; plus strand), FOXC2-AS1 (FOXC2 antisense RNA 1; minus strand). Cytogenetic location: 16q24.1.
Variant type: single nucleotide variant.
Coding change: c.361C>T on transcript NM_005251.3 (MANE Select); coding-DNA position 361, C replaced by T.
Protein change: p.Arg121Cys; replaces arginine 121 with cysteine.
Molecular consequence: missense variant. On other transcripts: non-coding transcript variant (1).
Genome position (GRCh38, 1-based): chr16:86,567,696, C>T. VCF-style: chr16-86567696-C-T. GRCh37 (hg19) VCF-style: chr16-86601302-C-T.
Other names: short protein forms R121C.
Identifiers: ClinVar variation 599242 (VCV000599242.14), dbSNP rs1567571184, ClinGen allele CA397006981.